The following is an entry in ClinVar:

ClinVar aggregate classification (germline): Uncertain significance (1 of 4 stars; one submission).

Conditions:
DSP-related Dilated cardiomyopathy. Identifiers: MedGen CN377638.

Submission:

Dasa
Classification: Uncertain significance for DSP-related Dilated cardiomyopathy. Last evaluated: 2025-08-11. Review status: criteria provided, single submitter. Criteria: DASA Assertion Criteria. Collection method: clinical testing. Allele origin: germline.
Comment: NM_004415.4(DSP):c.2728G>C (p.Asp910His) is a missense variant that results in the substitution of aspartic acid with histidine. This variant is absent from population databases. The currently available literature and clinical evidence are not sufficient to establish a definitive association between this variant and the reported condition. Therefore, this variant is classified as a variant of uncertain significance.

NM_004415.4(DSP):c.2728G>C (p.Asp910His)

Gene: DSP (desmoplakin; plus strand). Cytogenetic location: 6p24.3.
Variant type: single nucleotide variant.
Coding change: c.2728G>C on transcript NM_004415.4 (MANE Select); coding-DNA position 2728, G replaced by C.
Protein change: p.Asp910His; replaces aspartic acid 910 with histidine.
Molecular consequence: missense variant.
Genome position (GRCh38, 1-based): chr6:7,576,391, G>C. VCF-style: chr6-7576391-G-C. GRCh37 (hg19) VCF-style: chr6-7576624-G-C.
Other names: c.2728G>C, p.Asp910His (NM_001008844.3, NM_001319034.2); short protein forms D910H.
Identifiers: ClinVar variation 4881195 (VCV004881195.2).